The following is an entry in ClinVar:

ClinVar aggregate classification (germline): Uncertain significance (1 of 4 stars; one submission).

Conditions:
Inborn genetic diseases. Identifiers: MedGen C0950123, MeSH D030342.

Allele frequency attached by ClinVar (database versions not stated): gnomAD 0.00001; gnomAD exomes 0.00001; TOPMed 0.00002; 1000 Genomes Project 30x 0.00016.
gnomAD v4.1: 19 of 1,596,252 alleles (0.0012%); highest among the groups gnomAD compares: Non-Finnish European, 0.0015%; no homozygotes.

Submission:

Ambry Genetics
Classification: Uncertain significance for Inborn genetic diseases. Last evaluated: 2021-09-24. Review status: criteria provided, single submitter. Criteria: Ambry Variant Classification Scheme 2023. Collection method: clinical testing. Allele origin: germline.
Comment: The p.G14S variant (also known as c.40G>A), located in coding exon 1 of the SPG11 gene, results from a G to A substitution at nucleotide position 40. The glycine at codon 14 is replaced by serine, an amino acid with similar properties. This amino acid position is conserved. In addition, this alteration is predicted to be tolerated by in silico analysis. Since supporting evidence is limited at this time, the clinical significance of this alteration remains unclear.

NM_025137.4(SPG11):c.40G>A (p.Gly14Ser)

Gene: SPG11 (SPG11 vesicle trafficking associated, spatacsin; minus strand). Cytogenetic location: 15q21.1.
Variant type: single nucleotide variant.
Coding change: c.40G>A on transcript NM_025137.4 (MANE Select); coding-DNA position 40, G replaced by A.
Protein change: p.Gly14Ser; replaces glycine 14 with serine.
Molecular consequence: missense variant.
Genome position (GRCh38, 1-based): chr15:44,663,608, C>T on the plus strand (G>A on the coding strand, the complement: SPG11 is on the minus strand). VCF-style: chr15-44663608-C-T. GRCh37 (hg19) VCF-style: chr15-44955806-C-T.
Other names: c.40G>A, p.Gly14Ser (NM_001160227.2, NM_001411132.1); short protein forms G14S.
Identifiers: ClinVar variation 1737842 (VCV001737842.2), dbSNP rs1188807485, ClinGen allele CA392238898.